The following is an entry in ClinVar:

ClinVar aggregate classification (germline): Uncertain significance (1 of 4 stars; one submission).

Conditions:
DNA ligase IV deficiency. Identifiers: Orphanet 99812, MedGen C1847827, MONDO:0011686, OMIM 606593.

Submission:

Labcorp Genetics (formerly Invitae), Labcorp
Classification: Uncertain significance for DNA ligase IV deficiency. Last evaluated: 2024-01-19. Review status: criteria provided, single submitter. Criteria: Invitae Variant Classification Sherloc (09022015). Collection method: clinical testing. Allele origin: germline.
Comment: This sequence change replaces glycine, which is neutral and non-polar, with alanine, which is neutral and non-polar, at codon 639 of the LIG4 protein (p.Gly639Ala). This variant is not present in population databases (gnomAD no frequency). This variant has not been reported in the literature in individuals affected with LIG4-related conditions. ClinVar contains an entry for this variant (Variation ID: 1714702). Advanced modeling of protein sequence and biophysical properties (such as structural, functional, and spatial information, amino acid conservation, physicochemical variation, residue mobility, and thermodynamic stability) performed at Invitae indicates that this missense variant is not expected to disrupt LIG4 protein function with a negative predictive value of 80%. In summary, the available evidence is currently insufficient to determine the role of this variant in disease. Therefore, it has been classified as a Variant of Uncertain Significance.

NM_206937.2(LIG4):c.1916G>C (p.Gly639Ala)

Gene: LIG4 (DNA ligase 4; minus strand). Cytogenetic location: 13q33.3.
Variant type: single nucleotide variant.
Coding change: c.1916G>C on transcript NM_206937.2 (MANE Select); coding-DNA position 1916, G replaced by C.
Protein change: p.Gly639Ala; replaces glycine 639 with alanine.
Molecular consequence: missense variant.
Genome position (GRCh38, 1-based): chr13:108,209,353, C>G on the plus strand (G>C on the coding strand, the complement: LIG4 is on the minus strand). VCF-style: chr13-108209353-C-G. GRCh37 (hg19) VCF-style: chr13-108861701-C-G.
Other names: c.1916G>C, p.Gly639Ala (NM_001098268.2, NM_001352598.2, NM_001352599.2 and 6 more transcripts); c.1715G>C, p.Gly572Ala (NM_001330595.2); c.1952G>C, p.Gly651Ala (NM_001352604.2); short protein forms G572A, G639A, G651A.
Identifiers: ClinVar variation 1714702 (VCV001714702.5), dbSNP rs2501590093, ClinGen allele CA388615404.